The following is an entry in ClinVar:

NM_000143.4(FH):c.1385A>G (p.His462Arg)

Gene: FH (fumarate hydratase; minus strand). Cytogenetic location: 1q43.
Variant type: single nucleotide variant.
Coding change: c.1385A>G on transcript NM_000143.4 (MANE Select); coding-DNA position 1385, A replaced by G.
Protein change: p.His462Arg; replaces histidine 462 with arginine.
Molecular consequence: missense variant.
Genome position (GRCh38, 1-based): chr1:241,500,442, T>C on the plus strand (A>G on the coding strand, the complement: FH is on the minus strand). VCF-style: chr1-241500442-T-C. GRCh37 (hg19) VCF-style: chr1-241663742-T-C.
Other names: short protein forms H462R.
Identifiers: ClinVar variation 1488514 (VCV001488514.10), dbSNP rs1466657268, ClinGen allele CA345436290.
Genomic context (GRCh38, chr1:241,500,442, plus strand): 5'-GTTTAGCTTTTTAATTTTGCATTCAAAATGATATTATTATTCCTTAAACACTTACCTATA[T>C]GAGGATTGAGAGCTGTCACCAACATTAGAGACTCATTCATCAGCTTGTTGATCCTTTCTG-3'
Protein context (NP_000134.2, residues 452-472): SLMLVTALNP[His462Arg]IGYDKAAKIA

ClinVar aggregate classification (germline): Uncertain significance. Review status: criteria provided, multiple submitters, no conflicts (2 of 4 stars). 2 submissions from 2 submitters: Uncertain significance (2). Last evaluated 2024-07-16.

Conditions:
Hereditary cancer-predisposing syndrome. Also called: Hereditary neoplastic syndrome; Neoplastic Syndromes, Hereditary; Hereditary Cancer Syndrome; Tumor predisposition. Identifiers: Orphanet 140162, MedGen C0027672, MeSH D009386, MONDO:0015356.

Submissions (2):

Labcorp Genetics (formerly Invitae), Labcorp
Classification: Uncertain significance. Last evaluated: 2024-07-16. Review status: criteria provided, single submitter. Criteria: Invitae Variant Classification Sherloc (09022015). Collection method: clinical testing. Allele origin: germline.
Comment: This sequence change replaces histidine, which is basic and polar, with arginine, which is basic and polar, at codon 462 of the FH protein (p.His462Arg). This variant is present in population databases (no rsID available, gnomAD 0.01%). This variant has not been reported in the literature in individuals affected with FH-related conditions. ClinVar contains an entry for this variant (Variation ID: 1488514). Advanced modeling of protein sequence and biophysical properties (such as structural, functional, and spatial information, amino acid conservation, physicochemical variation, residue mobility, and thermodynamic stability) has been performed at Invitae for this missense variant, however the output from this modeling did not meet the statistical confidence thresholds required to predict the impact of this variant on FH protein function. In summary, the available evidence is currently insufficient to determine the role of this variant in disease. Therefore, it has been classified as a Variant of Uncertain Significance.

Ambry Genetics
Classification: Uncertain significance for Hereditary cancer-predisposing syndrome. Last evaluated: 2021-04-20. Review status: criteria provided, single submitter. Criteria: Ambry Variant Classification Scheme 2023. Collection method: clinical testing. Allele origin: germline.
Comment: The p.H462R variant (also known as c.1385A>G), located in coding exon 9 of the FH gene, results from an A to G substitution at nucleotide position 1385. The histidine at codon 462 is replaced by arginine, an amino acid with highly similar properties. This amino acid position is highly conserved in available vertebrate species. In addition, this alteration is predicted to be deleterious by in silico analysis. Since supporting evidence is limited at this time, the clinical significance of this alteration remains unclear.